The following is an entry in ClinVar:

NM_181507.2(HPS5):c.1784+1G>A

Gene: HPS5 (HPS5 biogenesis of lysosomal organelles complex 2 subunit 2; minus strand). Cytogenetic location: 11p15.1.
Variant type: single nucleotide variant.
Coding change: c.1784+1G>A on transcript NM_181507.2 (MANE Select); the canonical splice donor site of the intron after coding-DNA position 1784, G replaced by A.
Molecular consequence: splice donor variant.
Genome position (GRCh38, 1-based): chr11:18,295,019, C>T on the plus strand (G>A on the coding strand, the complement: HPS5 is on the minus strand). VCF-style: chr11-18295019-C-T. GRCh37 (hg19) VCF-style: chr11-18316566-C-T.
Other names: c.1370+1G>A (NM_001440929.1, NM_001440928.1, NM_001440927.1); c.1442+1G>A (NM_181508.2, NM_001440921.1, NM_001440926.1 and 7 more transcripts); c.1673+1G>A (NM_001440915.1, NM_001440914.1, NM_001440913.1); c.1784+1G>A (NM_001440931.1, NM_001440917.1, NM_001440906.1 and 5 more transcripts); c.1709+1G>A (NM_001440907.1, NM_001440909.1, NM_001440908.1); c.1571+1G>A (NM_001440919.1); c.1598+1G>A (NM_001440918.1).
Identifiers: ClinVar variation 2849710 (VCV002849710.3), dbSNP rs766652435, ClinGen allele CA5910015.

ClinVar aggregate classification (germline): Likely pathogenic (1 of 4 stars; one submission).

Allele frequency attached by ClinVar (database versions not stated): ExAC 0.00001.

Submission:

Labcorp Genetics (formerly Invitae), Labcorp
Classification: Likely pathogenic. Last evaluated: 2023-03-26. Review status: criteria provided, single submitter. Criteria: Invitae Variant Classification Sherloc (09022015). Collection method: clinical testing. Allele origin: germline.
Comment: In summary, the currently available evidence indicates that the variant is pathogenic, but additional data are needed to prove that conclusively. Therefore, this variant has been classified as Likely Pathogenic. Algorithms developed to predict the effect of sequence changes on RNA splicing suggest that this variant may disrupt the consensus splice site. This variant has not been reported in the literature in individuals affected with HPS5-related conditions. This variant is present in population databases (rs766652435, gnomAD 0.0009%). This sequence change affects a donor splice site in intron 14 of the HPS5 gene. It is expected to disrupt RNA splicing. Variants that disrupt the donor or acceptor splice site typically lead to a loss of protein function (PMID: 16199547), and loss-of-function variants in HPS5 are known to be pathogenic (PMID: 12548288, 15296495, 21833017, 26785811).

Literature cited by the submitters: PubMed 16199547; PubMed 12548288; PubMed 15296495; PubMed 21833017; PubMed 26785811.